The following is an entry in ClinVar:

ClinVar aggregate classification (germline): Likely pathogenic. Review status: reviewed by expert panel (3 of 4 stars). 2 submissions from 2 submitters: Likely pathogenic (1). 1 of the submissions does not count toward it. Last evaluated 2018-12-10.

Conditions:
Phenylketonuria (PKU). Also called: Phenylketonuria (PKU); FOLLING DISEASE; OLIGOPHRENIA PHENYLPYRUVICA; Phenylketonurias. Identifiers: Orphanet 716, MedGen C0031485, MONDO:0009861, OMIM 261600. Disease mechanism: loss of function.

Allele frequency attached by ClinVar (database versions not stated): gnomAD exomes below 0.00001; ExAC 0.00001.
gnomAD v4.1: 1 of 1,614,070 alleles (0.000062%); highest among the groups gnomAD compares: South Asian, 0.0011%; no homozygotes.

Submissions (2):

ClinGen PAH Variant Curation Expert Panel
Classification: Likely pathogenic for Phenylketonuria. Last evaluated: 2018-12-10. Review status: reviewed by expert panel. Criteria: ClinGen PAH ACMG Specifications v1. Collection method: curation. Allele origin: germline. Inheritance: Autosomal recessive inheritance.
Comment: The c.812A>G (p.His271Arg) variant in the PAH gene has been reported in PKU patients in Henan, and France. (PMID: 21462123, 26666653, 26503515). This variant was detected with R408W (PMID: 26666653). A deleterious effect is predicted in SIFT, Polyphen-2, MutationTaster, and REVEL=0.969. It has an extremely low frequency in ExAC and gnomAD (MAF=0.00006). In summary, this variant meets criteria to be classified as likely pathogenic for PAH. PAH-specific ACMG/AMP criteria applied: PM2, PM3, PP4_Moderate, PP3.

DeBelle Laboratory for Biochemical Genetics, MUHC/MCH RESEARCH INSTITUTE
No classification provided. Review status: no classification provided. Collection method: not provided. Allele origin: not provided. Not counted in ClinVar's aggregate classification.

Literature cited by the submitters: PubMed 21462123 (cited by ClinGen PAH Variant Curation Expert Panel); PubMed 26666653 (cited by ClinGen PAH Variant Curation Expert Panel); PubMed 26503515 (cited by ClinGen PAH Variant Curation Expert Panel).

NM_000277.3(PAH):c.812A>G (p.His271Arg)

Gene: PAH (phenylalanine hydroxylase; minus strand). Cytogenetic location: 12q23.2.
Variant type: single nucleotide variant.
Coding change: c.812A>G on transcript NM_000277.3 (MANE Select); coding-DNA position 812, A replaced by G.
Protein change: p.His271Arg; replaces histidine 271 with arginine.
Molecular consequence: missense variant.
Genome position (GRCh38, 1-based): chr12:102,852,845, T>C on the plus strand (A>G on the coding strand, the complement: PAH is on the minus strand). VCF-style: chr12-102852845-T-C. GRCh37 (hg19) VCF-style: chr12-103246623-T-C.
Other names: NM_000277.2(PAH):c.812A>G; c.812A>G, p.His271Arg (NM_001354304.2); short protein forms H271R.
Identifiers: ClinVar variation 102850 (VCV000102850.2), dbSNP rs199475692, ClinGen allele CA286508.
Genomic context (GRCh38, chr12:102,852,845, plus strand): 5'-GGCAACTGGTAGCTGGAGGACAGTACTCACGGTTCGGGGGTATACATGGGCTTGGATCCA[T>C]GTCTGATGTACTGTGTGCAGTGGAAGACTCGGAAGGCCAGGCCACCCAAGAAATCCCGAG-3'
Protein context (NP_000268.1, residues 261-281): RVFHCTQYIR[His271Arg]GSKPMYTPEP